The following is an entry in ClinVar:

NM_001457.4(FLNB):c.5386C>A (p.His1796Asn)

Gene: FLNB (filamin B; plus strand). Cytogenetic location: 3p14.3.
Variant type: single nucleotide variant.
Coding change: c.5386C>A on transcript NM_001457.4 (MANE Select); coding-DNA position 5386, C replaced by A.
Protein change: p.His1796Asn; replaces histidine 1796 with asparagine.
Molecular consequence: missense variant.
Genome position (GRCh38, 1-based): chr3:58,143,574, C>A. VCF-style: chr3-58143574-C-A. GRCh37 (hg19) VCF-style: chr3-58129301-C-A.
Other names: c.5479C>A, p.His1827Asn (NM_001164317.2); c.5353C>A, p.His1785Asn (NM_001164318.2); c.5314C>A, p.His1772Asn (NM_001164319.2); short protein forms H1796N, H1827N, H1772N, H1785N.
Identifiers: ClinVar variation 2855256 (VCV002855256.3), dbSNP rs2471190334, ClinGen allele CA353354085.

ClinVar aggregate classification (germline): Uncertain significance (1 of 4 stars; one submission).

gnomAD v4.1: 1 of 1,614,180 alleles (0.000062%); highest among the groups gnomAD compares: Non-Finnish European, 0.000085%; no homozygotes.

Submission:

Labcorp Genetics (formerly Invitae), Labcorp
Classification: Uncertain significance. Last evaluated: 2024-11-04. Review status: criteria provided, single submitter. Criteria: Invitae Variant Classification Sherloc (09022015). Collection method: clinical testing. Allele origin: germline.
Comment: This sequence change replaces histidine, which is basic and polar, with asparagine, which is neutral and polar, at codon 1796 of the FLNB protein (p.His1796Asn). This variant is not present in population databases (gnomAD no frequency). This variant has not been reported in the literature in individuals affected with FLNB-related conditions. ClinVar contains an entry for this variant (Variation ID: 2855256). Invitae Evidence Modeling of protein sequence and biophysical properties (such as structural, functional, and spatial information, amino acid conservation, physicochemical variation, residue mobility, and thermodynamic stability) has been performed for this missense variant. However, the output from this modeling did not meet the statistical confidence thresholds required to predict the impact of this variant on FLNB protein function. In summary, the available evidence is currently insufficient to determine the role of this variant in disease. Therefore, it has been classified as a Variant of Uncertain Significance.